The following is an entry in ClinVar:

ClinVar aggregate classification (germline): Pathogenic. Review status: criteria provided, multiple submitters, no conflicts (2 of 4 stars). 2 submissions from 2 submitters: Pathogenic (2). Last evaluated 2021-04-01.

Conditions:
Purine-nucleoside phosphorylase deficiency. Also called: Immunodeficiency due to purine nucleoside phosphorylase deficiency; NUCLEOSIDE PHOSPHORYLASE DEFICIENCY. Identifiers: Orphanet 760, MedGen C0268125, MONDO:0013171, OMIM 613179.

Submissions (2):

CeGaT Center for Human Genetics Tuebingen
Classification: Pathogenic. Last evaluated: 2021-04-01. Review status: criteria provided, single submitter. Criteria: CeGaT Center For Human Genetics Tuebingen Variant Classification Criteria Version 2. Collection method: clinical testing. Allele origin: germline. Affected: yes. Observed: 1 variant allele.

Labcorp Genetics (formerly Invitae), Labcorp
Classification: Pathogenic for Purine-nucleoside phosphorylase deficiency. Last evaluated: 2020-03-04. Review status: criteria provided, single submitter. Criteria: Invitae Variant Classification Sherloc (09022015). Collection method: clinical testing. Allele origin: germline.
Comment: For these reasons, this variant has been classified as Pathogenic. Loss-of-function variants in PNP are known to be pathogenic (PMID: 24767876). Algorithms developed to predict the effect of sequence changes on RNA splicing suggest that this variant may create or strengthen a splice site, but this prediction has not been confirmed by published transcriptional studies. This variant has been observed in individual(s) with purine nucleoside phosphorylase deficiency (PMID: 22578971). It has also been observed to segregate with disease in related individuals. This variant is not present in population databases (ExAC no frequency). This sequence change creates a premature translational stop signal (p.Gln82*) in the PNP gene. It is expected to result in an absent or disrupted protein product.

Literature cited by the submitters: PubMed 24767876 (cited by Labcorp Genetics (formerly Invitae), Labcorp); PubMed 22578971 (cited by Labcorp Genetics (formerly Invitae), Labcorp).

NM_000270.4(PNP):c.244C>T (p.Gln82Ter)

Gene: PNP (purine nucleoside phosphorylase; plus strand). Cytogenetic location: 14q11.2.
Variant type: single nucleotide variant.
Coding change: c.244C>T on transcript NM_000270.4 (MANE Select); coding-DNA position 244, C replaced by T.
Protein change: p.Gln82Ter; replaces glutamine 82 with a stop codon.
Molecular consequence: nonsense.
Genome position (GRCh38, 1-based): chr14:20,474,534, C>T. VCF-style: chr14-20474534-C-T. GRCh37 (hg19) VCF-style: chr14-20942693-C-T.
Other names: short protein forms Q82*.
Identifiers: ClinVar variation 1076064 (VCV001076064.42), dbSNP rs867750505, ClinGen allele CA389144963.
Genomic context (GRCh38, chr14:20,474,534, plus strand): 5'-CCAGGTCATGCTGGCCGACTGGTGTTTGGGTTCCTGAATGGCAGGGCCTGTGTGATGATG[C>T]AGGGCAGGTTCCACATGTATGAAGGGTACCCACTCTGGAAGGTAAGTCAGAGGGATAGGT-3'